The following is an entry in ClinVar:

NM_000540.3(RYR1):c.6689C>T (p.Thr2230Ile)

Gene: RYR1 (ryanodine receptor 1; plus strand). Cytogenetic location: 19q13.2.
Variant type: single nucleotide variant.
Coding change: c.6689C>T on transcript NM_000540.3 (MANE Select); coding-DNA position 6689, C replaced by T.
Protein change: p.Thr2230Ile; replaces threonine 2230 with isoleucine.
Molecular consequence: missense variant.
Genome position (GRCh38, 1-based): chr19:38,496,434, C>T. VCF-style: chr19-38496434-C-T. GRCh37 (hg19) VCF-style: chr19-38987074-C-T.
Other names: c.6689C>T, p.Thr2230Ile (NM_001042723.2); short protein forms T2230I.
Identifiers: ClinVar variation 3385433 (VCV003385433.1).

ClinVar aggregate classification (germline): Uncertain significance (1 of 4 stars; one submission).

Conditions:
Malignant hyperthermia, susceptibility to, 1 (MHS1). Also called: Anesthesia related hyperthermia; Malignant hyperpyrexia; Fulminating hyperpyrexia; Pharmacogenic myopathy; Malignant hyperthermia suceptibility 1; RYR1-Related Malignant Hyperthermia Susceptibility. Identifiers: Orphanet 423, MedGen C2930980, MONDO:0007783, OMIM 145600.

Submission:

All of Us Research Program, National Institutes of Health
Classification: Uncertain significance for Malignant hyperthermia, susceptibility to, 1. Last evaluated: 2024-05-14. Review status: criteria provided, single submitter. Criteria: ACMG Guidelines, 2015. Collection method: clinical testing. Allele origin: germline. Inheritance: Autosomal dominant inheritance. Observed: 1 variant allele, 1 heterozygote.
Comment: This missense variant replaces threonine with isoleucine at codon 2230 of the RYR1 protein. Computational prediction suggests that this variant may have deleterious impact on protein structure and function (internally defined REVEL score threshold >= 0.7, PMID: 27666373). To our knowledge, functional studies have not been reported for this variant. This variant has not been reported in individuals affected with RYR1-related disorders in the literature. This variant has not been identified in the general population by the Genome Aggregation Database (gnomAD). The available evidence is insufficient to determine the role of this variant in disease conclusively. Therefore, this variant is classified as a Variant of Uncertain Significance.

This study involves interpretation of variants in research participants for the purpose of population health screening. Participant phenotype was not available at the time of variant classification. Additional details can be found in publication PMID: 35346344, PMCID: PMC8962531